The following is an entry in ClinVar:

NM_013390.3(CEMIP2):c.964C>G (p.Leu322Val)

Gene: CEMIP2 (cell migration inducing hyaluronidase 2; minus strand). Cytogenetic location: 9q21.13.
Variant type: single nucleotide variant.
Coding change: c.964C>G on transcript NM_013390.3 (MANE Select); coding-DNA position 964, C replaced by G.
Protein change: p.Leu322Val; replaces leucine 322 with valine.
Molecular consequence: missense variant. On other transcripts: 5 prime UTR variant (1).
Genome position (GRCh38, 1-based): chr9:71,745,088, G>C on the plus strand (C>G on the coding strand, the complement: CEMIP2 is on the minus strand). VCF-style: chr9-71745088-G-C. GRCh37 (hg19) VCF-style: chr9-74360004-G-C.
Other names: c.964C>G, p.Leu322Val (NM_001135820.2); c.-917C>G (NM_001349784.2); short protein forms L322V.
Identifiers: ClinVar variation 4075818 (VCV004075818.1).

ClinVar aggregate classification (germline): Uncertain significance (1 of 4 stars; one submission).

Conditions:
Congenital heart disease (CHD). Identifiers: MedGen C0152021, MONDO:0005453. Disease mechanism: unknown.

Submission:

Embryology Laboratory, Victor Chang Cardiac Research Institute
Classification: Uncertain significance for Congenital heart disease. Last evaluated: 2025-08-12. Review status: criteria provided, single submitter. Criteria: ACMG Guidelines, 2015. Collection method: research. Allele origin: inherited. Inheritance: Autosomal dominant inheritance. Affected: yes. Observed: 2 variant alleles.
Comment: The c.964C>G (p.Leu322Val) variant is absent from gnomAD database and occurs within the ILEI functional domain of CEMIP2. The variant is identified in two individuals who are affected by congenital heart defects. CEMIP2 and Congenital heart disease are not a known gene/disease relationship, the variant is therefore classified as VUS.